The following is an entry in ClinVar:

NM_198514.4(NHLRC2):c.1668T>C (p.Ile556=)

Gene: NHLRC2 (NHL repeat containing 2; plus strand). Cytogenetic location: 10q25.3.
Variant type: single nucleotide variant.
Coding change: c.1668T>C on transcript NM_198514.4 (MANE Select); coding-DNA position 1668, T replaced by C.
Protein change: p.Ile556=; no amino-acid change (isoleucine 556 retained).
Molecular consequence: synonymous variant.
Genome position (GRCh38, 1-based): chr10:113,903,700, T>C. VCF-style: chr10-113903700-T-C. GRCh37 (hg19) VCF-style: chr10-115663459-T-C.
Identifiers: ClinVar variation 3049840 (VCV003049840.17), dbSNP rs150753996, ClinGen allele CA5698063.

ClinVar aggregate classification (germline): Likely benign. Review status: criteria provided, multiple submitters, no conflicts (2 of 4 stars). 3 submissions from 3 submitters: Likely benign (2). 1 of the submissions does not count toward it. Last evaluated 2024-11-08.

Conditions:
NHLRC2-related disorder. Also called: NHLRC2-related condition.

Allele frequency attached by ClinVar (database versions not stated): 1000 Genomes Project 30x 0.00078; 1000 Genomes Project 0.00080; ExAC 0.00102; gnomAD 0.00117; TOPMed 0.00124; ESP Exome Variant Server 0.00138; gnomAD exomes 0.00183.
gnomAD v4.1: 2,794 of 1,588,818 alleles (0.18%); highest among the groups gnomAD compares: Non-Finnish European, 0.22%; 5 homozygotes.

Submissions (3):

Blueprint Genetics
Classification: Likely benign. Last evaluated: 2024-11-08. Review status: criteria provided, single submitter. Criteria: ACMG Guidelines, 2015. Collection method: clinical testing. Allele origin: germline.

CeGaT Center for Human Genetics Tuebingen
Classification: Likely benign. Last evaluated: 2024-10-01. Review status: criteria provided, single submitter. Criteria: CeGaT Center For Human Genetics Tuebingen Variant Classification Criteria Version 2. Collection method: clinical testing. Allele origin: germline. Affected: yes. Observed: 1 variant allele.
Comment: NHLRC2: BP4, BS2

PreventionGenetics, part of Exact Sciences
Classification: Likely benign for NHLRC2-related condition. Last evaluated: 2019-12-05. Review status: no assertion criteria provided. Collection method: clinical testing. Allele origin: germline. Not counted in ClinVar's aggregate classification.
Comment: This variant is classified as likely benign based on ACMG/AMP sequence variant interpretation guidelines (Richards et al. 2015 PMID: 25741868, with internal and published modifications).